The following is an entry in ClinVar:

ClinVar aggregate classification (germline): Uncertain significance (1 of 4 stars; one submission).

Conditions:
Orthostatic hypotension 1 (ORTHYP1). Also called: Orthostatic hypotension 1, due to DBH deficiency; NORADRENALINE DEFICIENCY; NOREPINEPHRINE DEFICIENCY; Dopamine beta-hydroxylase deficiency. Identifiers: Orphanet 230, MedGen C4746777, MONDO:0009123, OMIM 223360.

Allele frequency attached by ClinVar (database versions not stated): ExAC 0.00003; gnomAD 0.00005; TOPMed 0.00006; ESP Exome Variant Server 0.00008.
gnomAD v4.1: 45 of 1,613,564 alleles (0.0028%); highest among the groups gnomAD compares: African/African-American, 0.0067%; no homozygotes.

Submission:

Labcorp Genetics (formerly Invitae), Labcorp
Classification: Uncertain significance for Orthostatic hypotension 1. Last evaluated: 2024-12-09. Review status: criteria provided, single submitter. Criteria: Invitae Variant Classification Sherloc (09022015). Collection method: clinical testing. Allele origin: germline.
Comment: This sequence change replaces arginine, which is basic and polar, with glutamine, which is neutral and polar, at codon 602 of the DBH protein (p.Arg602Gln). This variant is present in population databases (rs147292866, gnomAD 0.01%). This variant has not been reported in the literature in individuals affected with DBH-related conditions. ClinVar contains an entry for this variant (Variation ID: 2073125). An algorithm developed to predict the effect of missense changes on protein structure and function outputs the following: PolyPhen-2: "Benign". The glutamine amino acid residue is found in multiple mammalian species, which suggests that this missense change does not adversely affect protein function. In summary, the available evidence is currently insufficient to determine the role of this variant in disease. Therefore, it has been classified as a Variant of Uncertain Significance.

NM_000787.4(DBH):c.1805G>A (p.Arg602Gln)

Gene: DBH (dopamine beta-hydroxylase; plus strand). Cytogenetic location: 9q34.2.
Variant type: single nucleotide variant.
Coding change: c.1805G>A on transcript NM_000787.4 (MANE Select); coding-DNA position 1805, G replaced by A.
Protein change: p.Arg602Gln; replaces arginine 602 with glutamine.
Molecular consequence: missense variant.
Genome position (GRCh38, 1-based): chr9:133,658,398, G>A. VCF-style: chr9-133658398-G-A. GRCh37 (hg19) VCF-style: chr9-136523520-G-A.
Other names: short protein forms R602Q.
Identifiers: ClinVar variation 2073125 (VCV002073125.2), dbSNP rs147292866, ClinGen allele CA5313718.